The following is an entry in ClinVar:

ClinVar aggregate classification (germline): Uncertain significance (1 of 4 stars; one submission).

Conditions:
Baller-Gerold syndrome (BGS). Also called: CRANIOSYNOSTOSIS WITH RADIAL DEFECTS. Identifiers: Orphanet 1225, MedGen C0265308, MONDO:0009039, OMIM 218600.

Submission:

Labcorp Genetics (formerly Invitae), Labcorp
Classification: Uncertain significance for Baller-Gerold syndrome. Last evaluated: 2020-05-27. Review status: criteria provided, single submitter. Criteria: Invitae Variant Classification Sherloc (09022015). Collection method: clinical testing. Allele origin: germline.
Comment: In summary, the available evidence is currently insufficient to determine the role of this variant in disease. Therefore, it has been classified as a Variant of Uncertain Significance. This sequence change replaces proline with serine at codon 80 of the RECQL4 protein (p.Pro80Ser). The proline residue is moderately conserved and there is a moderate physicochemical difference between proline and serine. This variant is not present in population databases (ExAC no frequency). This variant has not been reported in the literature in individuals with RECQL4-related conditions. Algorithms developed to predict the effect of missense changes on protein structure and function output the following: SIFT: "Tolerated"; PolyPhen-2: "Benign"; Align-GVGD: "Class C0)". The proline amino acid residue is found in multiple mammalian species, suggesting that this missense change does not adversely affect protein function. These predictions have not been confirmed by published functional studies and their clinical significance is uncertain.

NM_004260.4(RECQL4):c.238C>T (p.Pro80Ser)

Gene: RECQL4 (RecQ like helicase 4; minus strand). Cytogenetic location: 8q24.3.
Variant type: single nucleotide variant.
Coding change: c.238C>T on transcript NM_004260.4 (MANE Select); coding-DNA position 238, C replaced by T.
Protein change: p.Pro80Ser; replaces proline 80 with serine.
Molecular consequence: missense variant.
Genome position (GRCh38, 1-based): chr8:144,517,166, G>A on the plus strand (C>T on the coding strand, the complement: RECQL4 is on the minus strand). VCF-style: chr8-144517166-G-A. GRCh37 (hg19) VCF-style: chr8-145742550-G-A.
Other names: short protein forms P80S.
Identifiers: ClinVar variation 835105 (VCV000835105.5), dbSNP rs1815251986, ClinGen allele CA372692306.
Genomic context (GRCh38, chr8:144,517,166, plus strand): 5'-CCTGGCGGCTCCGCCCTGGCGTAGACTGTGGACTCTTGGTCGCAGCCCGATTCAGATGGG[G>A]CCCCCAGCAGCGGGGCTCTGGCGCCTGCAGGAGACAACAGGGGCACAGGCCAGAAAAGGC-3'
Protein context (NP_004251.4, residues 70-90): EEAPEPRCWG[Pro80Ser]HLNRAATKSP